The following is an entry in ClinVar:

ClinVar aggregate classification (germline): Uncertain significance (1 of 4 stars; one submission).

Allele frequency attached by ClinVar (database versions not stated): gnomAD 0.00001; gnomAD exomes 0.00001; TOPMed 0.00001.
gnomAD v4.1: 14 of 1,613,342 alleles (0.00087%); highest among the groups gnomAD compares: Admixed American, 0.0017%; no homozygotes.

Submission:

Labcorp Genetics (formerly Invitae), Labcorp
Classification: Uncertain significance. Last evaluated: 2021-06-15. Review status: criteria provided, single submitter. Criteria: Invitae Variant Classification Sherloc (09022015). Collection method: clinical testing. Allele origin: germline.
Comment: This sequence change falls in intron 22 of the CAD gene. It does not directly change the encoded amino acid sequence of the CAD protein. It affects a nucleotide within the consensus splice site of the intron. This variant is not present in population databases (ExAC no frequency). This variant has not been reported in the literature in individuals with CAD-related conditions. Nucleotide substitutions within the consensus splice site are a relatively common cause of aberrant splicing (PMID: 17576681, 9536098). Algorithms developed to predict the effect of sequence changes on RNA splicing suggest that this variant is not likely to affect RNA splicing, but this prediction has not been confirmed by published transcriptional studies. In summary, the available evidence is currently insufficient to determine the role of this variant in disease. Therefore, it has been classified as a Variant of Uncertain Significance.

Literature cited by the submitters: PubMed 17576681; PubMed 9536098.

NM_004341.5(CAD):c.3619-3C>T

Gene: CAD (carbamoyl-phosphate synthetase 2, aspartate transcarbamylase, and dihydroorotase; plus strand). Cytogenetic location: 2p23.3.
Variant type: single nucleotide variant.
Coding change: c.3619-3C>T on transcript NM_004341.5 (MANE Select); 3 bases into the intron before coding-DNA position 3619, C replaced by T.
Molecular consequence: intron variant.
Genome position (GRCh38, 1-based): chr2:27,234,515, C>T. VCF-style: chr2-27234515-C-T. GRCh37 (hg19) VCF-style: chr2-27457383-C-T.
Other names: c.3430-3C>T (NM_001306079.2).
Identifiers: ClinVar variation 1399852 (VCV001399852.3), dbSNP rs1161018144, ClinGen allele CA531763956.